The following is an entry in ClinVar:

NM_001184.4(ATR):c.5593A>G (p.Lys1865Glu)

Gene: ATR (ATR checkpoint kinase; minus strand). Cytogenetic location: 3q23.
Variant type: single nucleotide variant.
Coding change: c.5593A>G on transcript NM_001184.4 (MANE Select); coding-DNA position 5593, A replaced by G.
Protein change: p.Lys1865Glu; replaces lysine 1865 with glutamic acid.
Molecular consequence: missense variant.
Genome position (GRCh38, 1-based): chr3:142,497,158, T>C on the plus strand (A>G on the coding strand, the complement: ATR is on the minus strand). VCF-style: chr3-142497158-T-C. GRCh37 (hg19) VCF-style: chr3-142216000-T-C.
Other names: c.5401A>G, p.Lys1801Glu (NM_001354579.2); short protein forms K1801E, K1865E.
Identifiers: ClinVar variation 1748502 (VCV001748502.2), dbSNP rs1225978822, ClinGen allele CA354814966.

ClinVar aggregate classification (germline): Uncertain significance (1 of 4 stars; one submission).

Conditions:
Inborn genetic diseases. Identifiers: MedGen C0950123, MeSH D030342.

Allele frequency attached by ClinVar (database versions not stated): gnomAD exomes below 0.00001.
gnomAD v4.1: 2 of 1,614,076 alleles (0.00012%); highest among the groups gnomAD compares: Non-Finnish European, 0.000085%; no homozygotes.

Submission:

Ambry Genetics
Classification: Uncertain significance for Inborn genetic diseases. Last evaluated: 2021-09-24. Review status: criteria provided, single submitter. Criteria: Ambry Variant Classification Scheme 2023. Collection method: clinical testing. Allele origin: germline.
Comment: The p.K1865E variant (also known as c.5593A>G), located in coding exon 33 of the ATR gene, results from an A to G substitution at nucleotide position 5593. The lysine at codon 1865 is replaced by glutamic acid, an amino acid with similar properties. This amino acid position is conserved. In addition, this alteration is predicted to be tolerated by in silico analysis. Since supporting evidence is limited at this time, the clinical significance of this alteration remains unclear.